The following is an entry in ClinVar:

NM_144991.3(TSPEAR):c.1450del (p.Val484fs)

Gene: TSPEAR (thrombospondin type laminin G domain and EAR repeats; minus strand). Cytogenetic location: 21q22.3.
Variant type: Deletion.
Coding change: c.1450del on transcript NM_144991.3 (MANE Select); coding-DNA position 1450, one base deleted (G; older notation c.1450delG).
Protein change: p.Val484fs; shifts the reading frame from valine 484.
Molecular consequence: frameshift variant.
Genome position (GRCh38, 1-based): chr21:44,521,999, C deleted on the plus strand (G on the coding strand, the reverse complement: TSPEAR is on the minus strand). VCF-style (leftmost placement, unchanged base first): chr21-44521998-AC-A. GRCh37 (hg19) VCF-style: chr21-45941881-AC-A.
Other names: c.1246del, p.Val416fs (NM_001272037.2); short protein forms V416fs, V484fs.
Identifiers: ClinVar variation 4978599 (VCV004978599.1).

ClinVar aggregate classification (germline): Likely pathogenic (1 of 4 stars; one submission).

Conditions:
TSPEAR-related disorder. Also called: TSPEAR-related condition.

Submission:

PreventionGenetics, part of Exact Sciences
Classification: Likely pathogenic for TSPEAR-related condition. Last evaluated: 2026-03-18. Review status: criteria provided, single submitter. Criteria: ACMG Guidelines, 2015. Collection method: clinical testing. Allele origin: germline.
Comment: The TSPEAR c.1450delG variant is predicted to result in a frameshift and premature protein termination (p.Val484Trpfs*85). To our knowledge, this variant has not been reported in the literature or in a large population database (gnomAD), indicating this variant is rare. Frameshift variants in TSPEAR are expected to be pathogenic. This variant is interpreted as likely pathogenic.